The following is an entry in ClinVar:

NM_004984.4(KIF5A):c.580G>A (p.Ala194Thr)

Gene: KIF5A (kinesin family member 5A; plus strand). Cytogenetic location: 12q13.3.
Variant type: single nucleotide variant.
Coding change: c.580G>A on transcript NM_004984.4 (MANE Select); coding-DNA position 580, G replaced by A.
Protein change: p.Ala194Thr; replaces alanine 194 with threonine.
Molecular consequence: missense variant.
Genome position (GRCh38, 1-based): chr12:57,567,204, G>A. VCF-style: chr12-57567204-G-A. GRCh37 (hg19) VCF-style: chr12-57960987-G-A.
Other names: p.Ala194Thr; c.313G>A, p.Ala105Thr (NM_001354705.2); short protein forms A105T, A194T.
Identifiers: ClinVar variation 2155049 (VCV002155049.5), dbSNP rs2540496992, ClinGen allele CA385497963.

ClinVar aggregate classification (germline): Uncertain significance. Review status: criteria provided, multiple submitters, no conflicts (2 of 4 stars). 2 submissions from 2 submitters: Uncertain significance (2). Last evaluated 2024-08-30.

Conditions:
Spastic paraplegia. Identifiers: MedGen C0037772, HP:0001258.

gnomAD v4.1: 4 of 1,611,442 alleles (0.00025%); highest among the groups gnomAD compares: Admixed American, 0.0017%; no homozygotes.

Submissions (2):

Mayo Clinic Laboratories, Mayo Clinic
Classification: Uncertain significance. Last evaluated: 2024-08-30. Review status: criteria provided, single submitter. Criteria: ACMG Guidelines, 2015. Collection method: clinical testing. Allele origin: germline. Observed: 2 variant alleles.
Comment: BP2, PP2, PP3, PM1, PM2

Labcorp Genetics (formerly Invitae), Labcorp
Classification: Uncertain significance for Spastic paraplegia. Last evaluated: 2022-09-03. Review status: criteria provided, single submitter. Criteria: Invitae Variant Classification Sherloc (09022015). Collection method: clinical testing. Allele origin: germline.
Comment: This sequence change replaces alanine, which is neutral and non-polar, with threonine, which is neutral and polar, at codon 194 of the KIF5A protein (p.Ala194Thr). This variant is not present in population databases (gnomAD no frequency). This variant has not been reported in the literature in individuals affected with KIF5A-related conditions. Algorithms developed to predict the effect of missense changes on protein structure and function (SIFT, PolyPhen-2, Align-GVGD) all suggest that this variant is likely to be tolerated. In summary, the available evidence is currently insufficient to determine the role of this variant in disease. Therefore, it has been classified as a Variant of Uncertain Significance.